The following is an entry in ClinVar:

NM_212482.4(FN1):c.4067C>T (p.Thr1356Met)

Gene: FN1 (fibronectin 1; minus strand). Cytogenetic location: 2q35.
Variant type: single nucleotide variant.
Coding change: c.4067C>T on transcript NM_212482.4 (MANE Select); coding-DNA position 4067, C replaced by T.
Protein change: p.Thr1356Met; replaces threonine 1356 with methionine.
Molecular consequence: missense variant. On other transcripts: intron variant (10).
Genome position (GRCh38, 1-based): chr2:215,392,933, G>A on the plus strand (C>T on the coding strand, the complement: FN1 is on the minus strand). VCF-style: chr2-215392933-G-A. GRCh37 (hg19) VCF-style: chr2-216257656-G-A.
Other names: c.4067C>T, p.Thr1356Met (NM_001306129.2, NM_001306130.2, NM_001365517.2 and 3 more transcripts); c.3797-1119C>T (NM_212474.3, NM_001306132.2, NM_001365523.2 and 7 more transcripts); short protein forms T1356M.
Identifiers: ClinVar variation 2593871 (VCV002593871.5), dbSNP rs1215182685, ClinGen allele CA350484780.
Genomic context (GRCh38, chr2:215,392,933, plus strand): 5'-ACTGGTGGCAGCATGCAACACCATCTATGTCTCAAACGCAGAAGTTTTCAAAATTCACCC[G>A]TTTGTTGTGTCAGTGTAGTAGGGGCACTCTCGCCGCCATTAATGAGAGTGATAACGCTGA-3'
Protein context (NP_997647.2, residues 1346-1366): ESAPTTLTQQ[Thr1356Met]AVPPPTDLRF

ClinVar aggregate classification (germline): Uncertain significance. Review status: criteria provided, multiple submitters, no conflicts (2 of 4 stars). 2 submissions from 2 submitters: Uncertain significance (2). Last evaluated 2025-04-13.

Conditions:
Inborn genetic diseases. Identifiers: MedGen C0950123, MeSH D030342.

Allele frequency attached by ClinVar (database versions not stated): gnomAD 0.00002; gnomAD exomes 0.00001.
gnomAD v4.1: 20 of 1,612,320 alleles (0.0012%); highest among the groups gnomAD compares: African/African-American, 0.004%; no homozygotes.

Submissions (2):

Labcorp Genetics (formerly Invitae), Labcorp
Classification: Uncertain significance. Last evaluated: 2025-04-13. Review status: criteria provided, single submitter. Criteria: Invitae Variant Classification Sherloc (09022015). Collection method: clinical testing. Allele origin: germline.
Comment: This sequence change replaces threonine, which is neutral and polar, with methionine, which is neutral and non-polar, at codon 1356 of the FN1 protein (p.Thr1356Met). This variant is present in population databases (no rsID available, gnomAD 0.006%). This variant has not been reported in the literature in individuals affected with FN1-related conditions. ClinVar contains an entry for this variant (Variation ID: 2593871). An algorithm developed to predict the effect of missense changes on protein structure and function (PolyPhen-2) suggests that this variant is likely to be disruptive. Algorithms developed to predict the effect of sequence changes on RNA splicing suggest that this variant may disrupt the consensus splice site. In summary, the available evidence is currently insufficient to determine the role of this variant in disease. Therefore, it has been classified as a Variant of Uncertain Significance.

Ambry Genetics
Classification: Uncertain significance for Inborn genetic diseases. Last evaluated: 2023-06-29. Review status: criteria provided, single submitter. Criteria: Ambry Variant Classification Scheme 2023. Collection method: clinical testing. Allele origin: germline.